The following is an entry in ClinVar:

NM_002764.4(PRPS1):c.508C>T (p.Pro170Ser)

Gene: PRPS1 (phosphoribosyl pyrophosphate synthetase 1; plus strand). Cytogenetic location: Xq22.3.
Variant type: single nucleotide variant.
Coding change: c.508C>T on transcript NM_002764.4 (MANE Select); coding-DNA position 508, C replaced by T.
Protein change: p.Pro170Ser; replaces proline 170 with serine.
Molecular consequence: missense variant. On other transcripts: intron variant (1).
Genome position (GRCh38, 1-based): chrX:107,642,468, C>T. VCF-style: chrX-107642468-C-T. GRCh37 (hg19) VCF-style: chrX-106885698-C-T.
Other names: c.-82-2709C>T (NM_001204402.2); short protein forms P170S.
Identifiers: ClinVar variation 942389 (VCV000942389.9), dbSNP rs1925595833, ClinGen allele CA413810575.

ClinVar aggregate classification (germline): Uncertain significance (1 of 4 stars; one submission).

Conditions:
Charcot-Marie-Tooth Neuropathy X. Identifiers: MedGen CN118851.

Submission:

Labcorp Genetics (formerly Invitae), Labcorp
Classification: Uncertain significance for Charcot-Marie-Tooth Neuropathy X. Last evaluated: 2019-09-18. Review status: criteria provided, single submitter. Criteria: Invitae Variant Classification Sherloc (09022015). Collection method: clinical testing. Allele origin: germline.
Comment: In summary, the available evidence is currently insufficient to determine the role of this variant in disease. Therefore, it has been classified as a Variant of Uncertain Significance. Algorithms developed to predict the effect of missense changes on protein structure and function (SIFT, PolyPhen-2, Align-GVGD) all suggest that this variant is likely to be disruptive, but these predictions have not been confirmed by published functional studies and their clinical significance is uncertain. This variant has not been reported in the literature in individuals with PRPS1-related conditions. This variant is not present in population databases (ExAC no frequency). This sequence change replaces proline with serine at codon 170 of the PRPS1 protein (p.Pro170Ser). The proline residue is highly conserved and there is a moderate physicochemical difference between proline and serine.